The following is an entry in ClinVar:

NM_005529.7(HSPG2):c.2614G>A (p.Val872Ile)

Gene: HSPG2 (heparan sulfate proteoglycan 2; minus strand). Cytogenetic location: 1p36.12.
Variant type: single nucleotide variant.
Coding change: c.2614G>A on transcript NM_005529.7 (MANE Select); coding-DNA position 2614, G replaced by A.
Protein change: p.Val872Ile; replaces valine 872 with isoleucine.
Molecular consequence: missense variant.
Genome position (GRCh38, 1-based): chr1:21,878,436, C>T on the plus strand (G>A on the coding strand, the complement: HSPG2 is on the minus strand). VCF-style: chr1-21878436-C-T. GRCh37 (hg19) VCF-style: chr1-22204929-C-T.
Other names: c.2617G>A, p.Val873Ile (NM_001291860.2); short protein forms V873I, V872I.
Identifiers: ClinVar variation 1366949 (VCV001366949.7), dbSNP rs370645398, ClinGen allele CA672974.
Genomic context (GRCh38, chr1:21,878,436, plus strand): 5'-TGCAGCCCAGGTTGGGTTGGGAGGTGGGTGTCAGGGGATGGTGGCAGCCATACTCACTGA[C>T]GGGCCTGCACTTCCCGCCGGGCTGGATGGGGTTGCCCTCGTATCCGGGGGCACAGCTAGG-3'
Protein context (NP_005520.4, residues 862-882): PIQPGGKCRP[Val872Ile]NQEIVRCDER

ClinVar aggregate classification (germline): Uncertain significance (1 of 4 stars; one submission).

Allele frequency attached by ClinVar (database versions not stated): ESP Exome Variant Server 0.00008.
gnomAD v4.1: 29 of 1,603,542 alleles (0.0018%); highest among the groups gnomAD compares: South Asian, 0.0022%; no homozygotes.

Submission:

Labcorp Genetics (formerly Invitae), Labcorp
Classification: Uncertain significance. Last evaluated: 2023-12-22. Review status: criteria provided, single submitter. Criteria: Invitae Variant Classification Sherloc (09022015). Collection method: clinical testing. Allele origin: germline.
Comment: This sequence change replaces valine, which is neutral and non-polar, with isoleucine, which is neutral and non-polar, at codon 872 of the HSPG2 protein (p.Val872Ile). The frequency data for this variant in the population databases is considered unreliable, as metrics indicate poor data quality at this position in the gnomAD database. This variant has not been reported in the literature in individuals affected with HSPG2-related conditions. ClinVar contains an entry for this variant (Variation ID: 1366949). Algorithms developed to predict the effect of missense changes on protein structure and function output the following: SIFT: "Not Available"; PolyPhen-2: "Benign"; Align-GVGD: "Not Available". The isoleucine amino acid residue is found in multiple mammalian species, which suggests that this missense change does not adversely affect protein function. In summary, the available evidence is currently insufficient to determine the role of this variant in disease. Therefore, it has been classified as a Variant of Uncertain Significance.